The following is an entry in ClinVar:

ClinVar aggregate classification (germline): Likely benign. Review status: criteria provided, multiple submitters, no conflicts (2 of 4 stars). 5 submissions from 5 submitters: Likely benign (5). Last evaluated 2024-11-13.

Conditions:
USH1C-related disorder. Also called: USH1C-related condition.

Allele frequency attached by ClinVar (database versions not stated): gnomAD exomes 0.00002 and 0.00003; ExAC 0.00003; ESP Exome Variant Server 0.00008; gnomAD 0.00017 and 0.00019; TOPMed 0.00046.
gnomAD v4.1: 56 of 1,613,842 alleles (0.0035%); highest among the groups gnomAD compares: Admixed American, 0.057%; no homozygotes.

Submissions (5):

PreventionGenetics, part of Exact Sciences
Classification: Likely benign for USH1C-related condition. Last evaluated: 2024-11-13. Review status: criteria provided, single submitter. Criteria: ACMG Guidelines, 2015. Collection method: clinical testing. Allele origin: germline.
Comment: This variant is classified as likely benign based on ACMG/AMP sequence variant interpretation guidelines (Richards et al. 2015 PMID: 25741868, with internal and published modifications).

Blueprint Genetics
Classification: Likely benign. Last evaluated: 2024-05-17. Review status: criteria provided, single submitter. Criteria: ACMG Guidelines, 2015. Collection method: clinical testing. Allele origin: germline.

GeneDx
Classification: Likely benign. Last evaluated: 2020-01-13. Review status: criteria provided, single submitter. Criteria: GeneDx Variant Classification Process June 2021. Collection method: clinical testing. Allele origin: germline. Affected: yes.

Labcorp Genetics (formerly Invitae), Labcorp
Classification: Likely benign. Last evaluated: 2019-12-31. Review status: criteria provided, single submitter. Criteria: Invitae Variant Classification Sherloc (09022015). Collection method: clinical testing. Allele origin: germline.

Laboratory for Molecular Medicine, Mass General Brigham Personalized Medicine
Classification: Likely benign. Last evaluated: 2017-12-21. Review status: criteria provided, single submitter. Criteria: LMM Criteria. Collection method: clinical testing. Allele origin: germline. Observed: 2 variant alleles.
Comment: p.Ser483Ser in Exon 17 of USH1C: This variant is not expected to have clinical s ignificance because it does not alter an amino acid residue, is not located with in the splice consensus sequence, and has been identified in 8/246128 total chro mosomes in several populations by Genome Aggregation Database (gnomAD; dbSNP rs142669563). ACMG/AMP criteria applied: BP7.

NM_153676.4(USH1C):c.1449G>A (p.Ser483=)

Gene: USH1C (USH1 protein network component harmonin; minus strand). Cytogenetic location: 11p15.1.
Variant type: single nucleotide variant.
Coding change: c.1449G>A on transcript NM_153676.4 (MANE Select); coding-DNA position 1449, G replaced by A.
Protein change: p.Ser483=; no amino-acid change (serine 483 retained).
Molecular consequence: synonymous variant. On other transcripts: intron variant (2).
Genome position (GRCh38, 1-based): chr11:17,510,486, C>T on the plus strand (G>A on the coding strand, the complement: USH1C is on the minus strand). VCF-style: chr11-17510486-C-T. GRCh37 (hg19) VCF-style: chr11-17532033-C-T.
Other names: c.1227+6915G>A (NM_001297764.2); c.1284+6915G>A (NM_005709.4).
Identifiers: ClinVar variation 228192 (VCV000228192.12), dbSNP rs142669563, ClinGen allele CA5904551.
Genomic context (GRCh38, chr11:17,510,486, plus strand): 5'-AGAGGAAATCTGCTCGAGGCGCGTTTGACAGAGCCTCTCCACCCAATATTGAATCTTTTC[C>T]GATTCTTCAAGGTCTTCCCGCTCTGTCTCAGACACCTGGGACCCAGGATCGGCGCAGAAA-3'
Protein context (NP_710142.1, residues 473-493): SETEREDLEE[Ser483=]EKIQYWVERL